The following is an entry in ClinVar:

NM_152296.5(ATP1A3):c.2895C>T (p.Asp965=)

Gene: ATP1A3 (ATPase Na+/K+ transporting subunit alpha 3; minus strand). Cytogenetic location: 19q13.2.
Variant type: single nucleotide variant.
Coding change: c.2895C>T on transcript NM_152296.5 (MANE Select); coding-DNA position 2895, C replaced by T.
Protein change: p.Asp965=; no amino-acid change (aspartic acid 965 retained).
Molecular consequence: synonymous variant.
Genome position (GRCh38, 1-based): chr19:41,967,688, G>A on the plus strand (C>T on the coding strand, the complement: ATP1A3 is on the minus strand). VCF-style: chr19-41967688-G-A. GRCh37 (hg19) VCF-style: chr19-42471840-G-A.
Other names: c.2928C>T, p.Asp976= (NM_001256213.2); c.2934C>T, p.Asp978= (NM_001256214.2); c.2934C>T (NM_001256214.1).
Identifiers: ClinVar variation 700045 (VCV000700045.12), dbSNP rs782437931, ClinGen allele CA9467265.

ClinVar aggregate classification (germline): Likely benign. Review status: criteria provided, single submitter (1 of 4 stars). 2 submissions from 2 submitters: Likely benign (1). 1 of the submissions does not count toward it. Last evaluated 2025-10-15.

Conditions:
ATP1A3-related disorder. Also called: ATP1A3-related condition; ATP1A3-related disorders. Identifiers: MedGen CN381097.
Dystonia 12 (DYT12). Also called: DYT-ATP1A3; Rapid-Onset Dystonia-Parkinsonism (RDP). Identifiers: Orphanet 71517, MedGen C1868681, MONDO:0007496, OMIM 128235.

Allele frequency attached by ClinVar (database versions not stated): gnomAD 0.00004 and 0.00005; gnomAD exomes 0.00005 and 0.00013; ExAC 0.00006; TOPMed 0.00006.
gnomAD v4.1: 199 of 1,613,972 alleles (0.012%); highest among the groups gnomAD compares: Middle Eastern, 0.016%; no homozygotes.

Submissions (2):

Labcorp Genetics (formerly Invitae), Labcorp
Classification: Likely benign for Dystonia 12. Last evaluated: 2025-10-15. Review status: criteria provided, single submitter. Criteria: Invitae Variant Classification Sherloc (09022015). Collection method: clinical testing. Allele origin: germline.

PreventionGenetics, part of Exact Sciences
Classification: Likely benign for ATP1A3-related condition. Last evaluated: 2022-08-17. Review status: no assertion criteria provided. Collection method: clinical testing. Allele origin: germline. Not counted in ClinVar's aggregate classification.
Comment: This variant is classified as likely benign based on ACMG/AMP sequence variant interpretation guidelines (Richards et al. 2015 PMID: 25741868, with internal and published modifications).